The following is an entry in ClinVar:

ClinVar aggregate classification (germline): Likely benign (0 of 4 stars; one submission).

Conditions:
SEMA3G-related disorder. Also called: SEMA3G-related condition.

gnomAD v4.1: 7 of 1,592,244 alleles (0.00044%); highest among the groups gnomAD compares: Non-Finnish European, 0.0006%; no homozygotes.

Submission:

PreventionGenetics, part of Exact Sciences
Classification: Likely benign for SEMA3G-related condition. Last evaluated: 2021-09-13. Review status: no assertion criteria provided. Collection method: clinical testing. Allele origin: germline.
Comment: This variant is classified as likely benign based on ACMG/AMP sequence variant interpretation guidelines (Richards et al. 2015 PMID: 25741868, with internal and published modifications).

NM_020163.3(SEMA3G):c.504G>A (p.Gly168=)

Gene: SEMA3G (semaphorin 3G; minus strand). Cytogenetic location: 3p21.1.
Variant type: single nucleotide variant.
Coding change: c.504G>A on transcript NM_020163.3 (MANE Select); coding-DNA position 504, G replaced by A.
Protein change: p.Gly168=; no amino-acid change (glycine 168 retained).
Molecular consequence: synonymous variant.
Genome position (GRCh38, 1-based): chr3:52,441,865, C>T on the plus strand (G>A on the coding strand, the complement: SEMA3G is on the minus strand). VCF-style: chr3-52441865-C-T. GRCh37 (hg19) VCF-style: chr3-52475881-C-T.
Identifiers: ClinVar variation 3355773 (VCV003355773.1).